The following is an entry in ClinVar:

NM_001330311.2(DVL1):c.1385A>G (p.Lys462Arg)

Gene: DVL1 (dishevelled segment polarity protein 1; minus strand). Cytogenetic location: 1p36.33.
Variant type: single nucleotide variant.
Coding change: c.1385A>G on transcript NM_001330311.2 (MANE Select); coding-DNA position 1385, A replaced by G.
Protein change: p.Lys462Arg; replaces lysine 462 with arginine.
Molecular consequence: missense variant.
Genome position (GRCh38, 1-based): chr1:1,338,391, T>C on the plus strand (A>G on the coding strand, the complement: DVL1 is on the minus strand). VCF-style: chr1-1338391-T-C. GRCh37 (hg19) VCF-style: chr1-1273771-T-C.
Other names: c.1310A>G, p.Lys437Arg (NM_004421.3); short protein forms K437R, K462R.
Identifiers: ClinVar variation 2733818 (VCV002733818.3), dbSNP rs751504519, ClinGen allele CA520103.

ClinVar aggregate classification (germline): Uncertain significance (1 of 4 stars; one submission).

Allele frequency attached by ClinVar (database versions not stated): gnomAD exomes below 0.00001; gnomAD 0.00001; TOPMed 0.00001; ExAC 0.00003.
gnomAD v4.1: 7 of 1,612,576 alleles (0.00043%); highest among the groups gnomAD compares: East Asian, 0.0045%; no homozygotes.

Submission:

Labcorp Genetics (formerly Invitae), Labcorp
Classification: Uncertain significance. Last evaluated: 2023-04-23. Review status: criteria provided, single submitter. Criteria: Invitae Variant Classification Sherloc (09022015). Collection method: clinical testing. Allele origin: germline.
Comment: In summary, the available evidence is currently insufficient to determine the role of this variant in disease. Therefore, it has been classified as a Variant of Uncertain Significance. Algorithms developed to predict the effect of sequence changes on RNA splicing suggest that this variant may create or strengthen a splice site. Advanced modeling of protein sequence and biophysical properties (such as structural, functional, and spatial information, amino acid conservation, physicochemical variation, residue mobility, and thermodynamic stability) performed at Invitae indicates that this missense variant is not expected to disrupt DVL1 protein function. This variant has not been reported in the literature in individuals affected with DVL1-related conditions. This variant is present in population databases (rs751504519, gnomAD 0.01%). This sequence change replaces lysine, which is basic and polar, with arginine, which is basic and polar, at codon 437 of the DVL1 protein (p.Lys437Arg).